The following is an entry in ClinVar:

NM_000038.6(APC):c.1188dup (p.Asp397Ter)

Gene: APC (APC regulator of Wnt signaling pathway; plus strand). Cytogenetic location: 5q22.2.
Variant type: Duplication.
Coding change: c.1188dup on transcript NM_000038.6 (MANE Select); coding-DNA position 1188, one base duplicated (T; older notation c.1188dupT).
Protein change: p.Asp397Ter; replaces aspartic acid 397 with a stop codon.
Molecular consequence: nonsense. On other transcripts: non-coding transcript variant (2), intron variant (15).
Genome position (GRCh38, 1-based): chr5:112,819,220, T duplicated. VCF-style (leftmost placement, unchanged base first): chr5-112819219-A-AT. GRCh37 (hg19) VCF-style: chr5-112154916-A-AT.
Other names: c.1188dup, p.Asp397Ter (NM_001127510.3, NM_001354895.2, NM_001354896.2 and 4 more transcripts); c.1134dup, p.Asp379Ter (NM_001127511.3); c.1218dup, p.Asp407Ter (NM_001354897.2, NM_001407446.1); c.1113dup, p.Asp372Ter (NM_001354898.2, NM_001407451.1); c.1104dup, p.Asp369Ter (NM_001354899.2, NM_001407452.1); c.1011dup, p.Asp338Ter (NM_001354900.2, NM_001354901.2, NM_001407453.1); c.339dup, p.Asp114Ter (NM_001354906.2, NM_001407470.1); c.85-49dup (NM_001407472.1, NM_001407471.1); and 5 more; short protein forms D114*, D338*, D369*, D372*, D379*, D397*, D407*.
Identifiers: ClinVar variation 2584124 (VCV002584124.1), dbSNP rs2533051546, ClinGen allele CA2582341256.

ClinVar aggregate classification (germline): Pathogenic (1 of 4 stars; one submission).

Conditions:
Familial adenomatous polyposis 1 (FAP1). Also called: FAMILIAL ADENOMATOUS POLYPOSIS 1, ATTENUATED; POLYPOSIS, ADENOMATOUS INTESTINAL. Identifiers: MedGen C2713442, MONDO:0021056, OMIM 175100. Disease mechanism: loss of function.

Submission:

Myriad Genetics, Inc.
Classification: Pathogenic for Familial adenomatous polyposis 1. Last evaluated: 2023-04-28. Review status: criteria provided, single submitter. Criteria: Myriad Autosomal Dominant, Autosomal Recessive and X-Linked Classification Criteria (2023). Collection method: clinical testing. Allele origin: unknown.
Comment: This variant is considered pathogenic. This variant creates a termination codon and is predicted to result in premature protein truncation.